The following is an entry in ClinVar:

ClinVar aggregate classification (germline): Pathogenic/Likely pathogenic. Review status: criteria provided, multiple submitters, no conflicts (2 of 4 stars). 2 submissions from 2 submitters: Pathogenic (1); Likely pathogenic (1). Last evaluated 2026-08-05.

Conditions:
Asphyxiating thoracic dystrophy 3. Also called: Short rib polydactyly syndrome 2B; SHORT-RIB THORACIC DYSPLASIA 3 WITH OR WITHOUT POLYDACTYLY; POLYDACTYLY WITH NEONATAL CHONDRODYSTROPHY, TYPE I; SHORT-RIB THORACIC DYSPLASIA 3/6 WITH POLYDACTYLY, DIGENIC; Saldino-Noonan Syndrome. Identifiers: Orphanet 474, Orphanet 93269, Orphanet 93270, Orphanet 93271, MedGen C0036069, MONDO:0013127, OMIM 613091.

gnomAD v4.1: 10 of 1,578,866 alleles (0.00063%); highest among the groups gnomAD compares: Non-Finnish European, 0.00086%; no homozygotes.

Submissions (2):

Myriad Genetics, Inc.
Classification: Pathogenic for Asphyxiating thoracic dystrophy 3. Last evaluated: 2026-08-05. Review status: criteria provided, single submitter. Criteria: Myriad Autosomal Dominant, Autosomal Recessive and X-Linked Classification Criteria (2023). Collection method: clinical testing. Allele origin: unknown.
Comment: NM_001377.2(DYNC2H1):c.250G>T(E84*) is expected to be pathogenic in the context of DYNC2H1-related disorders. This variant is predicted to lead to an abnormal or absent protein product due to the creation of a premature termination codon in DYNC2H1, a gene where loss-of-function variants are known to be pathogenic. Please note: this variant was assessed in the context of healthy population screening.

Fulgent Genetics
Classification: Likely pathogenic for Asphyxiating thoracic dystrophy 3. Last evaluated: 2024-05-15. Review status: criteria provided, single submitter. Criteria: ACMG Guidelines, 2015. Collection method: clinical testing. Allele origin: germline.

NM_001377.3(DYNC2H1):c.250G>T (p.Glu84Ter)

Gene: DYNC2H1 (dynein cytoplasmic 2 heavy chain 1; plus strand). Cytogenetic location: 11q22.3.
Variant type: single nucleotide variant.
Coding change: c.250G>T on transcript NM_001377.3 (MANE Select); coding-DNA position 250, G replaced by T.
Protein change: p.Glu84Ter; replaces glutamic acid 84 with a stop codon.
Molecular consequence: nonsense.
Genome position (GRCh38, 1-based): chr11:103,113,591, G>T. VCF-style: chr11-103113591-G-T. GRCh37 (hg19) VCF-style: chr11-102984320-G-T.
Other names: c.250G>T, p.Glu84Ter (NM_001080463.2); short protein forms E84*.
Identifiers: ClinVar variation 3598849 (VCV003598849.2).
Genomic context (GRCh38, chr11:103,113,591, plus strand): 5'-CTTTAGATTGAGTTTGGTGACACAAAAGATAAAGTGCTGGTGTTTTTCAAGCTGCGACCT[G>T]AAGTAATTACTGATGAGAATCTACATGATAACATTCTTGTTTCATCTATGTTAGAGTCAC-3'